The following is an entry in ClinVar:

NM_000256.3(MYBPC3):c.2334del (p.Lys779fs)

Gene: MYBPC3 (myosin binding protein C3; minus strand). Cytogenetic location: 11p11.2.
Variant type: Deletion.
Coding change: c.2334del on transcript NM_000256.3 (MANE Select); coding-DNA position 2334, one base deleted (C; older notation c.2334delC).
Protein change: p.Lys779fs; shifts the reading frame from lysine 779.
Molecular consequence: frameshift variant.
Genome position (GRCh38, 1-based): chr11:47,337,769, G deleted on the plus strand (C on the coding strand, the reverse complement: MYBPC3 is on the minus strand); the first of 5 consecutive G bases (chr11:47,337,769-47,337,773); deleting any one gives the same sequence. VCF-style (leftmost placement, unchanged base first): chr11-47337768-TG-T. GRCh37 (hg19) VCF-style: chr11-47359319-TG-T.
Other names: c.2334del, p.Lys779fs (LRG_386t1); c.2334delC (NM_000256.3); short protein forms K779fs.
Identifiers: ClinVar variation 372858 (VCV000372858.7), dbSNP rs1057518030, ClinGen allele CA16042829.

ClinVar aggregate classification (germline): Pathogenic/Likely pathogenic. Review status: criteria provided, multiple submitters, no conflicts (2 of 4 stars). 3 submissions from 3 submitters: Pathogenic (2); Likely pathogenic (1). Last evaluated 2024-05-21.

Conditions:
Cardiovascular phenotype. Identifiers: MedGen CN230736.
Hypertrophic cardiomyopathy. Also called: HYPERTROPHIC MYOCARDIOPATHY. Identifiers: Orphanet 217569, MedGen C0007194, MeSH D002312, MONDO:0005045, HP:0001639.

Submissions (3):

Labcorp Genetics (formerly Invitae), Labcorp
Classification: Pathogenic for Hypertrophic cardiomyopathy. Last evaluated: 2024-05-21. Review status: criteria provided, single submitter. Criteria: Invitae Variant Classification Sherloc (09022015). Collection method: clinical testing. Allele origin: germline.
Comment: This sequence change creates a premature translational stop signal (p.Lys779Argfs*43) in the MYBPC3 gene. It is expected to result in an absent or disrupted protein product. Loss-of-function variants in MYBPC3 are known to be pathogenic (PMID: 19574547). This variant is not present in population databases (gnomAD no frequency). This variant has not been reported in the literature in individuals affected with MYBPC3-related conditions. ClinVar contains an entry for this variant (Variation ID: 372858). For these reasons, this variant has been classified as Pathogenic.

Ambry Genetics
Classification: Pathogenic for Cardiovascular phenotype. Last evaluated: 2022-02-18. Review status: criteria provided, single submitter. Criteria: Ambry Variant Classification Scheme 2023. Collection method: clinical testing. Allele origin: germline.
Comment: The c.2334delC variant, located in coding exon 24 of the MYBPC3 gene, results from a deletion of one nucleotide at nucleotide position 2334, causing a translational frameshift with a predicted alternate stop codon (p.K779Rfs*43). This variant is considered to be rare based on population cohorts in the Genome Aggregation Database (gnomAD). This alteration is expected to result in loss of function by premature protein truncation or nonsense-mediated mRNA decay. As such, this alteration is interpreted as a disease-causing mutation.

GeneDx
Classification: Likely pathogenic. Last evaluated: 2016-01-06. Review status: criteria provided, single submitter. Criteria: GeneDx Variant Classification (06012015). Collection method: clinical testing. Allele origin: germline. Affected: yes.
Comment: Although the c.2334delC variant in the MYBPC3 gene has not been reported to our knowledge, this variant causes a shift in reading frame starting at codon Lysine 779, changing it to a Arginine, creating a premature stop codon at position 43 of the new reading frame, denoted p.Lys779ArgfsX43. This likely pathogenic variant is expected to result in either an abnormal, truncated protein product or loss of protein from this allele through nonsense-mediated mRNA decay. Many other downstream frameshift variants in the MYBPC3 gene have been reported in HGMD in association with HCM (Stenson et al., 2014). Furthermore, the c.2334delC variant was not observed in approximately 6,100 individuals of European and African American ancestry in the NHLBI Exome Sequencing Project, indicating it is not a common benign variant in these populations. In summary, c.2334delC in the MYBPC3 gene is likely pathogenic.

Literature cited by the submitters: PubMed 19574547 (cited by Labcorp Genetics (formerly Invitae), Labcorp); PubMed 33432171 (cited by Ambry Genetics).